The following is an entry in ClinVar:

NM_032043.3(BRIP1):c.1093A>C (p.Ile365Leu)

Gene: BRIP1 (BRCA1 interacting DNA helicase 1; minus strand). Cytogenetic location: 17q23.2.
Variant type: single nucleotide variant.
Coding change: c.1093A>C on transcript NM_032043.3 (MANE Select); coding-DNA position 1093, A replaced by C.
Protein change: p.Ile365Leu; replaces isoleucine 365 with leucine.
Molecular consequence: missense variant.
Genome position (GRCh38, 1-based): chr17:61,801,300, T>G on the plus strand (A>C on the coding strand, the complement: BRIP1 is on the minus strand). VCF-style: chr17-61801300-T-G. GRCh37 (hg19) VCF-style: chr17-59878661-T-G.
Other names: short protein forms I365L.
Identifiers: ClinVar variation 483146 (VCV000483146.18), dbSNP rs749251680, ClinGen allele CA400483948.

ClinVar aggregate classification (germline): Uncertain significance. Review status: criteria provided, multiple submitters, no conflicts (2 of 4 stars). 4 submissions from 4 submitters: Uncertain significance (4). Last evaluated 2024-03-13.

Conditions:
Hereditary cancer-predisposing syndrome. Also called: Hereditary neoplastic syndrome; Neoplastic Syndromes, Hereditary; Tumor predisposition; Hereditary Cancer Syndrome. Identifiers: Orphanet 140162, MedGen C0027672, MeSH D009386, MONDO:0015356.
Fanconi anemia complementation group J. Also called: BRIP1-Related Fanconi Anemia. Identifiers: Orphanet 84, MedGen C1836860, MONDO:0012187, OMIM 609054.
Familial cancer of breast. Also called: BREAST CANCER, FAMILIAL; Hereditary breast cancer; hereditary breast carcinoma. Identifiers: Orphanet 227535, MedGen C0346153, MONDO:0016419, OMIM 114480. Disease mechanism: loss of function.

gnomAD v4.1: 1 of 1,614,084 alleles (0.000062%); highest among the groups gnomAD compares: Non-Finnish European, 0.000085%; no homozygotes.

Submissions (4):

Ambry Genetics
Classification: Uncertain significance for Hereditary cancer-predisposing syndrome. Last evaluated: 2024-03-13. Review status: criteria provided, single submitter. Criteria: Ambry Variant Classification Scheme 2023. Collection method: clinical testing. Allele origin: germline.
Comment: The p.I365L variant (also known as c.1093A>C), located in coding exon 7 of the BRIP1 gene, results from an A to C substitution at nucleotide position 1093. The isoleucine at codon 365 is replaced by leucine, an amino acid with highly similar properties. This amino acid position is poorly conserved in available vertebrate species. In addition, this alteration is predicted to be tolerated by in silico analysis. Since supporting evidence is limited at this time, the clinical significance of this alteration remains unclear.

Baylor Genetics
Classification: Uncertain significance for Familial cancer of breast. Last evaluated: 2023-11-13. Review status: criteria provided, single submitter. Criteria: ACMG Guidelines, 2015. Collection method: clinical testing. Allele origin: unknown.

Labcorp Genetics (formerly Invitae), Labcorp
Classification: Uncertain significance for Familial cancer of breast; Fanconi anemia complementation group J. Last evaluated: 2023-07-26. Review status: criteria provided, single submitter. Criteria: Invitae Variant Classification Sherloc (09022015). Collection method: clinical testing. Allele origin: germline.
Comment: This sequence change replaces isoleucine, which is neutral and non-polar, with leucine, which is neutral and non-polar, at codon 365 of the BRIP1 protein (p.Ile365Leu). This variant is not present in population databases (gnomAD no frequency). This variant has not been reported in the literature in individuals affected with BRIP1-related conditions. ClinVar contains an entry for this variant (Variation ID: 483146). Advanced modeling of protein sequence and biophysical properties (such as structural, functional, and spatial information, amino acid conservation, physicochemical variation, residue mobility, and thermodynamic stability) performed at Invitae indicates that this missense variant is not expected to disrupt BRIP1 protein function. In summary, the available evidence is currently insufficient to determine the role of this variant in disease. Therefore, it has been classified as a Variant of Uncertain Significance.

GeneDx
Classification: Uncertain significance. Last evaluated: 2020-02-27. Review status: criteria provided, single submitter. Criteria: GeneDx Variant Classification Process June 2021. Collection method: clinical testing. Allele origin: germline. Affected: yes.
Comment: Not observed in large population cohorts (Lek 2016); In silico analysis supports that this missense variant does not alter protein structure/function; Has not been previously published as pathogenic or benign to our knowledge